The following is an entry in ClinVar:

ClinVar aggregate classification (germline): Benign/Likely benign. Review status: criteria provided, multiple submitters, no conflicts (2 of 4 stars). 2 submissions from 2 submitters: Benign (1); Likely benign (1). Last evaluated 2025-03-28.

Conditions:
Peutz-Jeghers syndrome (PJS). Also called: POLYPOSIS, HAMARTOMATOUS INTESTINAL; POLYPS-AND-SPOTS SYNDROME; Peutz-Jeghers polyposis; Periorificial lentiginosis syndrome. Identifiers: Orphanet 2869, MedGen C0031269, MeSH D010580, MONDO:0008280, OMIM 175200.

Allele frequency attached by ClinVar (database versions not stated): gnomAD exomes below 0.00001.
gnomAD v4.1: 1 of 1,559,784 alleles (0.000064%); highest among the groups gnomAD compares: Non-Finnish European, 0.000087%; no homozygotes.

Submissions (2):

Myriad Genetics, Inc.
Classification: Benign for Peutz-Jeghers syndrome. Last evaluated: 2025-03-28. Review status: criteria provided, single submitter. Criteria: Myriad Autosomal Dominant, Autosomal Recessive and X-Linked Classification Criteria (2023). Collection method: clinical testing. Allele origin: unknown.
Comment: This variant is considered benign. This variant is a silent/synonymous amino acid change and it is not expected to impact splicing.

Labcorp Genetics (formerly Invitae), Labcorp
Classification: Likely benign for Peutz-Jeghers syndrome. Last evaluated: 2024-05-22. Review status: criteria provided, single submitter. Criteria: Invitae Variant Classification Sherloc (09022015). Collection method: clinical testing. Allele origin: germline.

NM_000455.5(STK11):c.933G>A (p.Lys311=)

Gene: STK11 (serine/threonine kinase 11; plus strand). Cytogenetic location: 19p13.3.
Variant type: single nucleotide variant.
Coding change: c.933G>A on transcript NM_000455.5 (MANE Select); coding-DNA position 933, G replaced by A.
Protein change: p.Lys311=; no amino-acid change (lysine 311 retained).
Molecular consequence: synonymous variant.
Genome position (GRCh38, 1-based): chr19:1,222,997, G>A. VCF-style: chr19-1222997-G-A. GRCh37 (hg19) VCF-style: chr19-1222996-G-A.
Identifiers: ClinVar variation 1659530 (VCV001659530.9), dbSNP rs1409790643, ClinGen allele CA504707722.
Genomic context (GRCh38, chr19:1,222,997, plus strand): 5'-CGCCCTGGTGCCAGCCTGACAGGCGCCACTGCTTCTGGGCGTTTGCAGCTGGTTCCGGAA[G>A]AAACATCCTCCGGCTGAAGCACCAGTGCCCATCCCACCGAGCCCAGACACCAAGGACCGG-3'
Protein context (NP_000446.1, residues 301-321): RQIRQHSWFR[Lys311=]KHPPAEAPVP